The following is an entry in ClinVar:

ClinVar aggregate classification (germline): Conflicting classifications of pathogenicity. Review status: criteria provided, conflicting classifications (1 of 4 stars). 11 submissions from 10 submitters: Likely pathogenic (6); Uncertain significance (3). 2 of the submissions do not count toward it. Last evaluated 2026-02-20.

Conditions:
Hereditary hyperinsulinism.
Transitory neonatal diabetes mellitus. Also called: Transient neonatal diabetes mellitus. Identifiers: MedGen C0342273, MONDO:0020525, HP:0008255.
Maturity-onset diabetes of the young (MODY). Also called: Maturity onset diabetes mellitus in young. Identifiers: Orphanet 552, MedGen C0342276, MONDO:0018911, HP:0004904.
Familial hyperinsulinism. Also called: Congenital hyperinsulinism. Identifiers: Orphanet 276525, MedGen C3888018, MONDO:0017182. Disease mechanism: loss of function.
Hyperinsulinemic hypoglycemia, familial, 1 (HHF1). Also called: Persistent Hyperinsulinemia Hypoglycemia of Infancy; Persistent hyperinsulinemic hypoglycemia of infancy; HYPERINSULINISM, FAMILIAL, WITH PANCREATIC NESIDIOBLASTOSIS; HYPOGLYCEMIA, HYPERINSULINEMIC, OF INFANCY; NESIDIOBLASTOSIS OF PANCREAS. Identifiers: Orphanet 276575, Orphanet 276598, MedGen C2931832, MONDO:0009734, OMIM 256450.
Type 2 diabetes mellitus. Also called: Type II diabetes mellitus. Identifiers: MedGen C0011860, MeSH D003924, MONDO:0005148, OMIM 125853, HP:0005978.

Allele frequency attached by ClinVar (database versions not stated): gnomAD exomes below 0.00001 and 0.00001.
gnomAD v4.1: 14 of 1,613,236 alleles (0.00087%); highest among the groups gnomAD compares: Non-Finnish European, 0.0011%; no homozygotes.

Submissions (11):

Myriad Genetics, Inc.
Classification: Likely pathogenic for Hyperinsulinemic hypoglycemia, familial, 1. Last evaluated: 2026-02-20. Review status: criteria provided, single submitter. Criteria: Myriad Autosomal Dominant, Autosomal Recessive and X-Linked Classification Criteria (2023). Collection method: clinical testing. Allele origin: unknown.
Comment: NM_000352.3(ABCC8):c.1672-20A>G is an intronic variant classified as likely pathogenic in the context of familial hyperinsulinism, ABCC8-related. c.1672-20A>G has been observed in cases with relevant disease (PMID: 8751851, 34740273, Larsen_2021_(poster), Barthlen_2016_(book chapter)). Relevant functional assessments of this variant are available in the literature (PMID: 8751851). c.1672-20A>G has been observed in referenced population frequency databases. In summary, NM_000352.3(ABCC8):c.1672-20A>G is an intronic variant that has been observed more frequently in cases with the relevant disease than in healthy populations. Please note: this variant was assessed in the context of healthy population screening.

Natera, Inc.
Classification: Likely pathogenic for Hereditary hyperinsulinism. Last evaluated: 2025-10-06. Review status: criteria provided, single submitter. Criteria: Natera Variant Classification Schema (03/2026). Collection method: clinical testing. Allele origin: germline.
Comment: The c.1672-20A>G variant in ABCC8 is an intronic variant located outside the canonical splice sites. This variant is rare in the general population with a frequency below the threshold expected for the associated phenotype(s). This variant has been observed in one or more individuals affected with the associated recessive disease, as either homozygous or compound heterozygous with a second variant (PMID: 8751851, 34740273). Functional studies show that this variant may disrupt protein function (PMID: 8751851). Given the available evidence, this variant is classified as Likely Pathogenic.

Women's Health and Genetics/Laboratory Corporation of America, LabCorp
Classification: Likely pathogenic for Familial hyperinsulinism. Last evaluated: 2025-03-10. Review status: criteria provided, single submitter. Criteria: LabCorp Variant Classification Summary - May 2015. Collection method: clinical testing. Allele origin: germline.
Comment: Variant summary: ABCC8 c.1672-20A>G alters a non-conserved nucleotide located at a position not widely known to affect splicing. Consensus agreement among computation tools predict no significant impact on normal splicing. However, at least one publication reports experimental evidence that this variant affects mRNA splicing (Thomas_1996). The variant allele was found at a frequency of 4e-06 in 247074 control chromosomes (gnomAD). c.1672-20A>G has been reported in the literature in individuals affected with Congenital Hyperinsulinism who were compound heterozygous with pathogenic variants (Thomas_1996, Larsen_2021). These data indicate that the variant may be associated with disease. The following publications have been ascertained in the context of this evaluation (PMID: 10204114, 9618169, 10334322, 10720932, 8751851, 10685979, 16416420, 10685980, 10194514, 27682711). ClinVar contains an entry for this variant (Variation ID: 9091). Based on the evidence outlined above, the variant was classified as likely pathogenic.

GeneDx
Classification: Likely pathogenic. Last evaluated: 2024-03-14. Review status: criteria provided, single submitter. Criteria: GeneDx Variant Classification Process June 2021. Collection method: clinical testing. Allele origin: germline.
Comment: Published functional studies demonstrate this variant results in cryptic splicing (PMID: 8751851); Not observed at significant frequency in large population cohorts (gnomAD); This variant is associated with the following publications: (PMID: 34740273, 27682711, 8751851)

Labcorp Genetics (formerly Invitae), Labcorp
Classification: Likely pathogenic. Last evaluated: 2023-08-28. Review status: criteria provided, single submitter. Criteria: Invitae Variant Classification Sherloc (09022015). Collection method: clinical testing. Allele origin: germline.
Comment: In summary, the currently available evidence indicates that the variant is pathogenic, but additional data are needed to prove that conclusively. Therefore, this variant has been classified as Likely Pathogenic. Studies have shown that this variant alters mRNA splicing and is expected to lead to the loss of protein expression (PMID: 8751851). ClinVar contains an entry for this variant (Variation ID: 9091). This variant has been observed in individual(s) with congenital hyperinsulinism (PMID: 8751851). In at least one individual the data is consistent with being in trans (on the opposite chromosome) from a pathogenic variant. It has also been observed to segregate with disease in related individuals. This variant is present in population databases (no rsID available, gnomAD 0.0009%). This sequence change falls in intron 11 of the ABCC8 gene. It does not directly change the encoded amino acid sequence of the ABCC8 protein.

Broad Center for Mendelian Genomics, Broad Institute of MIT and Harvard
Classification: Uncertain significance for Hyperinsulinemic hypoglycemia, familial, 1. Last evaluated: 2023-08-16. Review status: criteria provided, single submitter. Criteria: ACMG Guidelines, 2015. Collection method: curation. Allele origin: germline. Inheritance: Autosomal recessive inheritance.
Comment: The c.1672-20A>G variant in ABCC8 has been reported in 3 individuals with hyperinsulinemic hypoglycemia (PMID: 8751851, 27682711, Larsen et al.), and has been identified in 0.009% (1/110764) of European (non-Finnish) chromosomes by the Genome Aggregation Database (gnomAD; dbSNP rs931436550). Although this variant has been seen in the general population in a heterozygous state, its frequency is low enough to be consistent with a recessive carrier frequency. This variant has also been reported in ClinVar (Variation ID: 9091) and has been interpreted as a variant of uncertain significance by Counsyl and Clinical Genomics (Uppaluri K&H Personalized Medicine Clinic), and as likely pathogenic/pathogenic by Invitae and OMIM. Of the 3 affected individuals, 1 was a compound heterozygote that carried a reported pathogenic variant in trans, which increases the likelihood that the c.1672-20A>G variant is pathogenic (VariationID: 9088; Larsen et al.). In vitro functional studies provide some evidence that the c.1672-20A>G variant may slightly impact protein function (PMID: 8751851). However, these types of assays may not accurately represent biological function. This variant is located in the 5' splice region. Computational tools do suggest an impact to splicing. However, this information is not predictive enough to determine pathogenicity. In summary, the clinical significance of the c.1672-20A>G variant is uncertain. ACMG/AMP Criteria applied: PM3_supporting, PP3, PM2_supporting, PS3_supporting (Richards 2015).

Baylor Genetics
Classification: Likely pathogenic for Type 2 diabetes mellitus. Last evaluated: 2023-01-12. Review status: criteria provided, single submitter. Criteria: ACMG Guidelines, 2015. Collection method: clinical testing. Allele origin: unknown.

Clinical Genomics, Uppaluri K&H Personalized Medicine Clinic
Classification: Uncertain significance for Transitory neonatal diabetes mellitus. Review status: criteria provided, single submitter. Criteria: K & H Uppaluri Personalized Medicine Clinic Variant Classification & Assertion Criteria_Updated V.1. Collection method: research. Allele origin: unknown. Inheritance: Somatic mutation.
Comment: Mutations in ABCC8 gene are associated with both neonatal diabetes mellitus as well as MODY. Patients with this mutation may have a better response to sulfonylureas. However, no sufficient evidence is found to ascertain the role of this particular variant (rs931436550) in neonatal diabetes yet.

Clinical Genomics, Uppaluri K&H Personalized Medicine Clinic
Classification: Uncertain significance for Maturity-onset diabetes of the young. Review status: criteria provided, single submitter. Criteria: K & H Uppaluri Personalized Medicine Clinic Variant Classification & Assertion Criteria_Updated V.1. Collection method: research. Allele origin: unknown. Inheritance: Somatic mutation.
Comment: Mutations in ABCC8 gene are associated with both neonatal diabetes mellitus as well as MODY. Patients with this mutation may have a better response to sulfonylureas. However, no sufficient evidence is found to ascertain the role of this particular variant (rs931436550) in MODY yet.

Counsyl
Classification: Uncertain significance for Hyperinsulinemic hypoglycemia, familial, 1. Last evaluated: 2018-02-21. Review status: no assertion criteria provided. Collection method: clinical testing. Allele origin: unknown. Not counted in ClinVar's aggregate classification.

OMIM
Classification: Pathogenic for HYPERINSULINEMIC HYPOGLYCEMIA, FAMILIAL, 1. Last evaluated: 1996-09-01. Review status: no assertion criteria provided. Collection method: literature only. Allele origin: germline. Not counted in ClinVar's aggregate classification.

Literature cited by the submitters: PubMed 8751851 (cited by 7 submitters); PubMed 34740273 (cited by Natera, Inc.); PubMed 10204114 (cited by Women's Health and Genetics/Laboratory Corporation of America, LabCorp); PubMed 9618169 (cited by Women's Health and Genetics/Laboratory Corporation of America, LabCorp); PubMed 10334322 (cited by Women's Health and Genetics/Laboratory Corporation of America, LabCorp); PubMed 10720932 (cited by Women's Health and Genetics/Laboratory Corporation of America, LabCorp); PubMed 10685979 (cited by Women's Health and Genetics/Laboratory Corporation of America, LabCorp); PubMed 16416420 (cited by Women's Health and Genetics/Laboratory Corporation of America, LabCorp); PubMed 10685980 (cited by Women's Health and Genetics/Laboratory Corporation of America, LabCorp); PubMed 10194514 (cited by Women's Health and Genetics/Laboratory Corporation of America, LabCorp); PubMed 27682711 (cited by Women's Health and Genetics/Laboratory Corporation of America, LabCorp and Counsyl); PubMed 16885549 (cited by Clinical Genomics, Uppaluri K&H Personalized Medicine Clinic); PubMed 21989597 (cited by Clinical Genomics, Uppaluri K&H Personalized Medicine Clinic); PubMed 27538677 (cited by Clinical Genomics, Uppaluri K&H Personalized Medicine Clinic); PubMed 18981553 (cited by Clinical Genomics, Uppaluri K&H Personalized Medicine Clinic); PubMed 32027066 (cited by Clinical Genomics, Uppaluri K&H Personalized Medicine Clinic); PubMed 16613899 (cited by Clinical Genomics, Uppaluri K&H Personalized Medicine Clinic); PubMed 18025408 (cited by Clinical Genomics, Uppaluri K&H Personalized Medicine Clinic); PubMed 32792356 (cited by Clinical Genomics, Uppaluri K&H Personalized Medicine Clinic).

NM_000352.6(ABCC8):c.1672-20A>G

Gene: ABCC8 (ATP binding cassette subfamily C member 8; minus strand). Cytogenetic location: 11p15.1.
Variant type: single nucleotide variant.
Coding change: c.1672-20A>G on transcript NM_000352.6 (MANE Select); 20 bases into the intron before coding-DNA position 1672, A replaced by G.
Molecular consequence: intron variant.
Genome position (GRCh38, 1-based): chr11:17,430,979, T>C on the plus strand (A>G on the coding strand, the complement: ABCC8 is on the minus strand). VCF-style: chr11-17430979-T-C. GRCh37 (hg19) VCF-style: chr11-17452526-T-C.
Other names: BRANCH POINT, A-G, -20; c.1669-20A>G (NM_001351297.2, NM_001351296.2); c.1672-20A>G (NM_001351295.2, NM_001287174.3, NM_000352.4).
Identifiers: ClinVar variation 9091 (VCV000009091.21), dbSNP rs931436550, ClinGen allele CA597666381.